The following is an entry in ClinVar:

NM_001035.3(RYR2):c.13261-9T>C

Gene: RYR2 (ryanodine receptor 2; plus strand). Cytogenetic location: 1q43.
Variant type: single nucleotide variant.
Coding change: c.13261-9T>C on transcript NM_001035.3 (MANE Select); 9 bases into the intron before coding-DNA position 13261, T replaced by C.
Molecular consequence: intron variant.
Genome position (GRCh38, 1-based): chr1:237,785,960, T>C. VCF-style: chr1-237785960-T-C. GRCh37 (hg19) VCF-style: chr1-237949260-T-C.
Identifiers: ClinVar variation 702244 (VCV000702244.18), dbSNP rs766481385, ClinGen allele CA085327.

ClinVar aggregate classification (germline): Conflicting classifications of pathogenicity. Review status: criteria provided, conflicting classifications (1 of 4 stars). 4 submissions from 4 submitters: Uncertain significance (2); Likely benign (2). Last evaluated 2025-09-07.

Conditions:
Catecholaminergic polymorphic ventricular tachycardia (CVPT). Also called: Catecholamine-induced polymorphic ventricular tachycardia. Identifiers: Orphanet 3286, MedGen C5574922, MONDO:0017990.
Cardiomyopathy (CMYO). Also called: Cardiomyopathies. Identifiers: Orphanet 167848, MedGen C0878544, MONDO:0004994, HP:0001638. Inheritance: Various modes of inheritance.
Catecholaminergic polymorphic ventricular tachycardia 1. Also called: VENTRICULAR TACHYCARDIA, CATECHOLAMINERGIC POLYMORPHIC, 1, WITH OR WITHOUT ATRIAL DYSFUNCTION AND/OR DILATED CARDIOMYOPATHY; VENTRICULAR TACHYCARDIA, STRESS-INDUCED POLYMORPHIC 1; RYR2-Related Catecholaminergic Polymorphic Ventricular Tachycardia. Identifiers: Orphanet 3286, MedGen C1631597, MONDO:0011484, OMIM 604772.

Allele frequency attached by ClinVar (database versions not stated): gnomAD exomes below 0.00001 and 0.00001; TOPMed below 0.00001; ExAC 0.00002.
gnomAD v4.1: 14 of 1,581,754 alleles (0.00089%); highest among the groups gnomAD compares: Non-Finnish European, 0.0011%; no homozygotes.

Submissions (4):

Labcorp Genetics (formerly Invitae), Labcorp
Classification: Likely benign for Catecholaminergic polymorphic ventricular tachycardia 1. Last evaluated: 2025-09-07. Review status: criteria provided, single submitter. Criteria: Invitae Variant Classification Sherloc (09022015). Collection method: clinical testing. Allele origin: germline.

Women's Health and Genetics/Laboratory Corporation of America, LabCorp
Classification: Likely benign. Last evaluated: 2024-10-20. Review status: criteria provided, single submitter. Criteria: LabCorp Variant Classification Summary - May 2015. Collection method: clinical testing. Allele origin: germline.

All of Us Research Program, National Institutes of Health
Classification: Uncertain significance for Catecholaminergic polymorphic ventricular tachycardia. Last evaluated: 2023-06-26. Review status: criteria provided, single submitter. Criteria: ACMG Guidelines, 2015. Collection method: clinical testing. Allele origin: germline. Inheritance: Autosomal dominant inheritance. Observed: 1 variant allele, 1 heterozygote.
Comment: This variant causes a T to C nucleotide substitution at the -9 position of intron 90 of the RYR2 gene. To our knowledge, functional studies have not been reported for this variant. This variant has not been reported in individuals affected with RYR2-related disorders in the literature. This variant has been identified in 1/210262 chromosomes in the general population by the Genome Aggregation Database (gnomAD). The available evidence is insufficient to determine the role of this variant in disease conclusively. Therefore, this variant is classified as a Variant of Uncertain Significance.

This study involves interpretation of variants in research participants for the purpose of population health screening. Participant phenotype was not available at the time of variant classification. Additional details can be found in publication PMID: 35346344, PMCID: PMC8962531

Color Diagnostics, LLC DBA Color Health
Classification: Uncertain significance for Cardiomyopathy. Last evaluated: 2023-06-08. Review status: criteria provided, single submitter. Criteria: ACMG Guidelines, 2015. Collection method: clinical testing. Allele origin: germline.
Comment: This variant causes a T to C nucleotide substitution at the -9 position of intron 90 of the RYR2 gene. To our knowledge, functional studies have not been reported for this variant. This variant has not been reported in individuals affected with RYR2-related disorders in the literature. This variant has been identified in 1/210262 chromosomes in the general population by the Genome Aggregation Database (gnomAD). The available evidence is insufficient to determine the role of this variant in disease conclusively. Therefore, this variant is classified as a Variant of Uncertain Significance.